The following is an entry in ClinVar:

ClinVar aggregate classification (germline): Uncertain significance. Review status: criteria provided, single submitter (1 of 4 stars). 2 submissions from 2 submitters: Uncertain significance (1). 1 of the submissions does not count toward it. Last evaluated 2022-12-11.

Allele frequency attached by ClinVar (database versions not stated): TOPMed below 0.00001.

Submissions (2):

Ambry Genetics
Classification: Uncertain significance. Last evaluated: 2022-12-11. Review status: criteria provided, single submitter. Criteria: Ambry Variant Classification Scheme 2023. Collection method: clinical testing. Allele origin: germline.
Comment: The p.D362G variant (also known as c.1085A>G), located in coding exon 12 of the NPAT gene, results from an A to G substitution at nucleotide position 1085. The aspartic acid at codon 362 is replaced by glycine, an amino acid with similar properties. This amino acid position is conserved. In addition, this alteration is predicted to be tolerated by in silico analysis. Since supporting evidence is limited at this time, the clinical significance of this alteration remains unclear.

Genetic Services Laboratory, University of Chicago
Classification: Uncertain significance. Last evaluated: 2022-07-18. Review status: no assertion criteria provided. Collection method: clinical testing. Allele origin: germline. Affected: no. Not counted in ClinVar's aggregate classification.
Comment: DNA sequence analysis of the NPAT gene demonstrated a sequence change, c.1085A>G, in exon 12 that results in an amino acid change, p.Asp362Gly. This sequence change does not appear to have been previously described in individuals with NPAT-related disorders and has also not been described in population databases such as ExAC and gnomAD. The p.Asp362Gly change affects a moderately conserved amino acid residue. The p.Asp362Gly substitution appears to be benign using several in-silico pathogenicity prediction tools (SIFT, PolyPhen2, Align GVGD, REVEL). Due to insufficient evidences and the lack of functional studies, the clinical significance of the p.Asp362Gly change remains unknown at this time.

NM_002519.3(NPAT):c.1085A>G (p.Asp362Gly)

Gene: NPAT (nuclear protein, coactivator of histone transcription; minus strand). Cytogenetic location: 11q22.3.
Variant type: single nucleotide variant.
Coding change: c.1085A>G on transcript NM_002519.3 (MANE Select); coding-DNA position 1085, A replaced by G.
Protein change: p.Asp362Gly; replaces aspartic acid 362 with glycine.
Molecular consequence: missense variant.
Genome position (GRCh38, 1-based): chr11:108,176,293, T>C on the plus strand (A>G on the coding strand, the complement: NPAT is on the minus strand). VCF-style: chr11-108176293-T-C. GRCh37 (hg19) VCF-style: chr11-108047020-T-C.
Other names: c.1085A>G, p.Asp362Gly (NM_001321307.1); short protein forms D362G.
Identifiers: ClinVar variation 2443190 (VCV002443190.4), dbSNP rs2078005237, ClinGen allele CA382516789.